The following is an entry in ClinVar:

NC_000005.9:g.(?_125881996)_(125882111_?)del

Gene: ALDH7A1 (aldehyde dehydrogenase 7 family member A1; minus strand). Cytogenetic location: 5q23.2.
Variant type: Deletion.
Identifiers: ClinVar variation 3246337 (VCV003246337.1).

ClinVar aggregate classification (germline): Pathogenic (1 of 4 stars; one submission).

Conditions:
Pyridoxine-dependent epilepsy (EPEO4). Also called: PYRIDOXINE DEPENDENCY WITH SEIZURES; Pyridoxine-Dependent Seizures; Pyridoxine-Dependent Epilepsy - ALDH7A1; EPILEPSY, EARLY-ONSET, 4, VITAMIN B6-DEPENDENT. Identifiers: Orphanet 3006, MedGen C1849508, MONDO:0009945, OMIM 266100. Disease mechanism: loss of function.

Submission:

Labcorp Genetics (formerly Invitae), Labcorp
Classification: Pathogenic for Pyridoxine-dependent epilepsy. Last evaluated: 2023-08-06. Review status: criteria provided, single submitter. Criteria: Invitae Variant Classification Sherloc (09022015). Collection method: clinical testing. Allele origin: unknown.
Comment: For these reasons, this variant has been classified as Pathogenic. A similar copy number variant has been observed in individual(s) with pyridoxine-dependent epilepsy (PMID: 17433748). In at least one individual the data is consistent with being in trans (on the opposite chromosome) from a pathogenic variant. This variant is a gross deletion of the genomic region encompassing exon(s) 17 of the ALDH7A1 gene. While this deletion is not anticipated to lead to nonsense mediated decay, it is expected to disrupt the C-terminus of the protein.

Literature cited by the submitters: PubMed 17433748.